The following is an entry in ClinVar:

NM_001018115.3(FANCD2):c.1947G>A (p.Leu649=)

Genes: FANCD2 (FA complementation group D2; plus strand), LOC107303338 (3p25 FANCD2 Alu-mediated recombination region; plus strand). Cytogenetic location: 3p25.3.
Variant type: single nucleotide variant.
Coding change: c.1947G>A on transcript NM_001018115.3 (MANE Select); coding-DNA position 1947, G replaced by A.
Protein change: p.Leu649=; no amino-acid change (leucine 649 retained).
Molecular consequence: synonymous variant.
Genome position (GRCh38, 1-based): chr3:10,063,911, G>A. VCF-style: chr3-10063911-G-A. GRCh37 (hg19) VCF-style: chr3-10105595-G-A.
Other names: c.1947G>A, p.Leu649= (NM_001319984.2, NM_001374254.1, NM_033084.6); c.1836G>A, p.Leu612= (NM_001374253.1).
Identifiers: ClinVar variation 1479009 (VCV001479009.3), dbSNP rs753041155, ClinGen allele CA432402680.

ClinVar aggregate classification (germline): Uncertain significance (1 of 4 stars; one submission).

Conditions:
Fanconi anemia (FA). Also called: Fanconi's anemia. Identifiers: Orphanet 84, MedGen C0015625, MeSH D005199, MONDO:0019391.

Submission:

Labcorp Genetics (formerly Invitae), Labcorp
Classification: Uncertain significance for Fanconi anemia. Last evaluated: 2021-08-03. Review status: criteria provided, single submitter. Criteria: Invitae Variant Classification Sherloc (09022015). Collection method: clinical testing. Allele origin: germline.
Comment: This sequence change affects codon 649 of the FANCD2 mRNA. It is a 'silent' change, meaning that it does not change the encoded amino acid sequence of the FANCD2 protein. This variant also falls at the last nucleotide of exon 21, which is part of the consensus splice site for this exon. This variant is not present in population databases (ExAC no frequency). This variant has not been reported in the literature in individuals affected with FANCD2-related conditions. Nucleotide substitutions within the consensus splice site are a relatively common cause of aberrant splicing (PMID: 17576681, 9536098). Algorithms developed to predict the effect of sequence changes on RNA splicing suggest that this variant may disrupt the consensus splice site. In summary, the available evidence is currently insufficient to determine the role of this variant in disease. Therefore, it has been classified as a Variant of Uncertain Significance.

Literature cited by the submitters: PubMed 17576681; PubMed 9536098.